The following is an entry in ClinVar:

ClinVar aggregate classification (germline): Uncertain significance (1 of 4 stars; one submission).

Conditions:
Cardiovascular phenotype. Identifiers: MedGen CN230736.

Submission:

Ambry Genetics
Classification: Uncertain significance for Cardiovascular phenotype. Last evaluated: 2022-04-19. Review status: criteria provided, single submitter. Criteria: Ambry Variant Classification Scheme 2023. Collection method: clinical testing. Allele origin: germline.
Comment: The p.P4075L variant (also known as c.12224C>T), located in coding exon 29 of the APOB gene, results from a C to T substitution at nucleotide position 12224. The proline at codon 4075 is replaced by leucine, an amino acid with similar properties. This amino acid position is conserved. In addition, the in silico prediction for this alteration is inconclusive. Since supporting evidence is limited at this time, the clinical significance of this alteration remains unclear.

NM_000384.3(APOB):c.12224C>T (p.Pro4075Leu)

Gene: APOB (apolipoprotein B; minus strand). Cytogenetic location: 2p24.1.
Variant type: single nucleotide variant.
Coding change: c.12224C>T on transcript NM_000384.3 (MANE Select); coding-DNA position 12224, C replaced by T.
Protein change: p.Pro4075Leu; replaces proline 4075 with leucine.
Molecular consequence: missense variant.
Genome position (GRCh38, 1-based): chr2:21,003,198, G>A on the plus strand (C>T on the coding strand, the complement: APOB is on the minus strand). VCF-style: chr2-21003198-G-A. GRCh37 (hg19) VCF-style: chr2-21226070-G-A.
Other names: short protein forms P4075L.
Identifiers: ClinVar variation 1753337 (VCV001753337.2), dbSNP rs765820416, ClinGen allele CA345972067.